The following is an entry in ClinVar:

Conditions:
ALG1-congenital disorder of glycosylation. Also called: ALG1-CDG; CONGENITAL DISORDER OF GLYCOSYLATION, TYPE Ik; CDG Ik. Identifiers: Orphanet 79327, MedGen C2931005, MONDO:0012052, OMIM 608540.

Submission:

Genomic Diagnostics Laboratory, National Institute of Medical Genomics
No classification provided (evidence only). Condition: ALG1-congenital disorder of glycosylation. Last evaluated: 2021-07-23. Review status: no classification provided. Criteria: ACMG Guidelines, 2015. Collection method: research. Allele origin: not applicable. Inheritance: Autosomal recessive inheritance. Functional consequence: effect on RNA splicing.
Comment: This variant in ALG1 gene has been never reported , and was absent from large population studies. Additionally, an in vitro functional study performed by our group indicate that it retaines the intron 1. In summary, this variant meets ACMG criteria to be classified as pathogenic .

"Pathogenic" was previously submitted as the classification for the variant. However, the classification appeared to be based only on an observation of functional data so it was converted to no classification on 2025-07-30.

Literature cited by the submitters: DOI 10.3389/fgene.2021.744884.

Multiple alleles

Variant type: Haplotype.
Identifiers: ClinVar variation 1199387 (VCV001199387.3).